The following is an entry in ClinVar:

ClinVar aggregate classification (germline): Uncertain significance (1 of 4 stars; one submission).

gnomAD v4.1: 1 of 1,613,964 alleles (0.000062%); highest among the groups gnomAD compares: Non-Finnish European, 0.000085%; no homozygotes.

Submission:

Labcorp Genetics (formerly Invitae), Labcorp
Classification: Uncertain significance. Last evaluated: 2024-10-22. Review status: criteria provided, single submitter. Criteria: Invitae Variant Classification Sherloc (09022015). Collection method: clinical testing. Allele origin: germline.
Comment: This sequence change replaces isoleucine, which is neutral and non-polar, with valine, which is neutral and non-polar, at codon 1669 of the VCAN protein (p.Ile1669Val). This variant is present in population databases (rs749357523, gnomAD 0.0009%). This variant has not been reported in the literature in individuals affected with VCAN-related conditions. An algorithm developed to predict the effect of missense changes on protein structure and function outputs the following: PolyPhen-2: "Benign". The valine amino acid residue is found in multiple mammalian species, which suggests that this missense change does not adversely affect protein function. In summary, the available evidence is currently insufficient to determine the role of this variant in disease. Therefore, it has been classified as a Variant of Uncertain Significance.

NM_004385.5(VCAN):c.5005A>G (p.Ile1669Val)

Genes: VCAN (versican; plus strand), VCAN-AS1 (VCAN antisense RNA 1; minus strand). Cytogenetic location: 5q14.3.
Variant type: single nucleotide variant.
Coding change: c.5005A>G on transcript NM_004385.5 (MANE Select); coding-DNA position 5005, A replaced by G.
Protein change: p.Ile1669Val; replaces isoleucine 1669 with valine.
Molecular consequence: missense variant. On other transcripts: intron variant (2).
Genome position (GRCh38, 1-based): chr5:83,538,008, A>G. VCF-style: chr5-83538008-A-G. GRCh37 (hg19) VCF-style: chr5-82833827-A-G.
Other names: c.2044A>G, p.Ile682Val (NM_001164097.2); c.4004-7529A>G (NM_001164098.2); c.1043-7529A>G (NM_001126336.3); short protein forms I682V, I1669V.
Identifiers: ClinVar variation 3676787 (VCV003676787.2).